The following is an entry in ClinVar:

ClinVar aggregate classification (germline): Uncertain significance (1 of 4 stars; one submission).

Conditions:
Emery-Dreifuss muscular dystrophy 4, autosomal dominant (EDMD4). Also called: EMERY-DREIFUSS MUSCULAR DYSTROPHY 4 WITH VARIABLE FEATURES. Identifiers: Orphanet 261, MedGen C2751807, MONDO:0013071, OMIM 612998.
Autosomal recessive ataxia, Beauce type. Also called: Spinocerebellar ataxia, autosomal recessive 8; ATAXIA, RECESSIVE, OF BEAUCE; SYNE1 Deficiency; SYNE1-Related Autosomal Recessive Cerebellar Ataxia. Identifiers: Orphanet 88644, MedGen C1853116, MONDO:0012549, OMIM 610743.

Allele frequency attached by ClinVar (database versions not stated): ExAC 0.00001; gnomAD 0.00001; ESP Exome Variant Server 0.00008; gnomAD exomes below 0.00001.
gnomAD v4.1: 4 of 1,614,048 alleles (0.00025%); highest among the groups gnomAD compares: African/African-American, 0.0053%; no homozygotes.

Submission:

Labcorp Genetics (formerly Invitae), Labcorp
Classification: Uncertain significance for Emery-Dreifuss muscular dystrophy 4, autosomal dominant; Autosomal recessive ataxia, Beauce type. Last evaluated: 2022-03-22. Review status: criteria provided, single submitter. Criteria: Invitae Variant Classification Sherloc (09022015). Collection method: clinical testing. Allele origin: germline.
Comment: Algorithms developed to predict the effect of missense changes on protein structure and function output the following: SIFT: "Deleterious"; PolyPhen-2: "Benign"; Align-GVGD: "Class C0". The asparagine amino acid residue is found in multiple mammalian species, which suggests that this missense change does not adversely affect protein function. In summary, the available evidence is currently insufficient to determine the role of this variant in disease. Therefore, it has been classified as a Variant of Uncertain Significance. This variant has not been reported in the literature in individuals affected with SYNE1-related conditions. This variant is present in population databases (rs144982424, gnomAD 0.0009%). This sequence change replaces lysine, which is basic and polar, with asparagine, which is neutral and polar, at codon 1063 of the SYNE1 protein (p.Lys1063Asn).

NM_182961.4(SYNE1):c.3168G>T (p.Lys1056Asn)

Gene: SYNE1 (spectrin repeat containing nuclear envelope protein 1; minus strand). Cytogenetic location: 6q25.2.
Variant type: single nucleotide variant.
Coding change: c.3168G>T on transcript NM_182961.4 (MANE Select); coding-DNA position 3168, G replaced by T.
Protein change: p.Lys1056Asn; replaces lysine 1056 with asparagine.
Molecular consequence: missense variant.
Genome position (GRCh38, 1-based): chr6:152,451,065, C>A on the plus strand (G>T on the coding strand, the complement: SYNE1 is on the minus strand). VCF-style: chr6-152451065-C-A. GRCh37 (hg19) VCF-style: chr6-152772200-C-A.
Other names: c.3189G>T, p.Lys1063Asn (NM_033071.5); short protein forms K1056N, K1063N.
Identifiers: ClinVar variation 1427146 (VCV001427146.8), dbSNP rs144982424, ClinGen allele CA4058910.